The following is an entry in ClinVar:

NM_001267550.2(TTN):c.2505C>T (p.Ala835=)

Gene: TTN (titin; minus strand). Cytogenetic location: 2q31.2.
Variant type: single nucleotide variant.
Coding change: c.2505C>T on transcript NM_001267550.2 (MANE Select); coding-DNA position 2505, C replaced by T.
Protein change: p.Ala835=; no amino-acid change (alanine 835 retained).
Molecular consequence: synonymous variant.
Genome position (GRCh38, 1-based): chr2:178,784,340, G>A on the plus strand (C>T on the coding strand, the complement: TTN is on the minus strand). VCF-style: chr2-178784340-G-A. GRCh37 (hg19) VCF-style: chr2-179649067-G-A.
Other names: c.2505C>T, p.Ala835= (NM_001256850.1, NM_133378.4, NM_133379.5); c.2367C>T, p.Ala789= (NM_003319.4, NM_133432.3, NM_133437.4).
Identifiers: ClinVar variation 382823 (VCV000382823.11), dbSNP rs754725705, ClinGen allele CA2005796.

ClinVar aggregate classification (germline): Likely benign. Review status: criteria provided, multiple submitters, no conflicts (2 of 4 stars). 3 submissions from 3 submitters: Likely benign (3). Last evaluated 2025-12-11.

Conditions:
Cardiovascular phenotype. Identifiers: MedGen CN230736.
Dilated cardiomyopathy 1G (CMD1G). Identifiers: Orphanet 154, MedGen C1858763, MONDO:0011400, OMIM 604145.
Autosomal recessive limb-girdle muscular dystrophy type 2J (LGMDR10). Also called: Limb-girdle muscular dystrophy, type 2J; MUSCULAR DYSTROPHY, LIMB-GIRDLE, AUTOSOMAL RECESSIVE 10. Identifiers: Orphanet 140922, MedGen C1837342, MONDO:0012127, OMIM 608807.

Allele frequency attached by ClinVar (database versions not stated): ExAC 0.00001; gnomAD 0.00001 and 0.00002; gnomAD exomes 0.00001; TOPMed 0.00001.
gnomAD v4.1: 10 of 1,613,836 alleles (0.00062%); highest among the groups gnomAD compares: South Asian, 0.0033%; no homozygotes.

Submissions (3):

Labcorp Genetics (formerly Invitae), Labcorp
Classification: Likely benign for Dilated cardiomyopathy 1G; Autosomal recessive limb-girdle muscular dystrophy type 2J. Last evaluated: 2025-12-11. Review status: criteria provided, single submitter. Criteria: Invitae Variant Classification Sherloc (09022015). Collection method: clinical testing. Allele origin: germline.

Ambry Genetics
Classification: Likely benign for Cardiovascular phenotype. Last evaluated: 2022-09-26. Review status: criteria provided, single submitter. Criteria: Ambry Variant Classification Scheme 2023. Collection method: clinical testing. Allele origin: germline.

GeneDx
Classification: Likely benign. Last evaluated: 2016-01-07. Review status: criteria provided, single submitter. Criteria: GeneDx Variant Classification (06012015). Collection method: clinical testing. Allele origin: germline. Affected: yes.
Comment: This variant is considered likely benign or benign based on one or more of the following criteria: it is a conservative change, it occurs at a poorly conserved position in the protein, it is predicted to be benign by multiple in silico algorithms, and/or has population frequency not consistent with disease.